The following is an entry in ClinVar:

NM_032808.7(LINGO1):c.1827C>T (p.Ala609=)

Gene: LINGO1 (leucine rich repeat and Ig domain containing 1; minus strand). Cytogenetic location: 15q24.3.
Variant type: single nucleotide variant.
Coding change: c.1827C>T on transcript NM_032808.7 (MANE Select); coding-DNA position 1827, C replaced by T.
Protein change: p.Ala609=; no amino-acid change (alanine 609 retained).
Molecular consequence: synonymous variant.
Genome position (GRCh38, 1-based): chr15:77,614,080, G>A on the plus strand (C>T on the coding strand, the complement: LINGO1 is on the minus strand). VCF-style: chr15-77614080-G-A. GRCh37 (hg19) VCF-style: chr15-77906422-G-A.
Other names: c.1809C>T, p.Ala603= (NM_001301186.2, NM_001301187.2, NM_001301189.2 and 8 more transcripts).
Identifiers: ClinVar variation 3057649 (VCV003057649.12), dbSNP rs780397720, ClinGen allele CA7677714.

ClinVar aggregate classification (germline): Likely benign. Review status: criteria provided, single submitter (1 of 4 stars). 2 submissions from 2 submitters: Likely benign (1). 1 of the submissions does not count toward it. Last evaluated 2025-06-01.

Conditions:
LINGO1-related disorder. Also called: LINGO1-related condition.

Allele frequency attached by ClinVar (database versions not stated): gnomAD exomes 0.00002; gnomAD 0.00003; TOPMed 0.00006; ExAC 0.00010.
gnomAD v4.1: 27 of 1,611,170 alleles (0.0017%); highest among the groups gnomAD compares: African/African-American, 0.015%; no homozygotes.

Submissions (2):

CeGaT Center for Human Genetics Tuebingen
Classification: Likely benign. Last evaluated: 2025-06-01. Review status: criteria provided, single submitter. Criteria: CeGaT Center For Human Genetics Tuebingen Variant Classification Criteria Version 2. Collection method: clinical testing. Allele origin: germline. Affected: yes. Observed: 1 variant allele.
Comment: LINGO1: BP4, BP7

PreventionGenetics, part of Exact Sciences
Classification: Likely benign for LINGO1-related condition. Last evaluated: 2019-03-25. Review status: no assertion criteria provided. Collection method: clinical testing. Allele origin: germline. Not counted in ClinVar's aggregate classification.
Comment: This variant is classified as likely benign based on ACMG/AMP sequence variant interpretation guidelines (Richards et al. 2015 PMID: 25741868, with internal and published modifications).